The following is an entry in ClinVar:

NM_002855.5(NECTIN1):c.283G>T (p.Glu95Ter)

Gene: NECTIN1 (nectin cell adhesion molecule 1; minus strand). Cytogenetic location: 11q23.3.
Variant type: single nucleotide variant.
Coding change: c.283G>T on transcript NM_002855.5 (MANE Select); coding-DNA position 283, G replaced by T.
Protein change: p.Glu95Ter; replaces glutamic acid 95 with a stop codon.
Molecular consequence: nonsense.
Genome position (GRCh38, 1-based): chr11:119,678,562, C>A on the plus strand (G>T on the coding strand, the complement: NECTIN1 is on the minus strand). VCF-style: chr11-119678562-C-A. GRCh37 (hg19) VCF-style: chr11-119549272-C-A.
Other names: c.283G>T, p.Glu95Ter (NM_203285.2, NM_203286.2); short protein forms E95*.
Identifiers: ClinVar variation 2857719 (VCV002857719.3), dbSNP rs745849418, ClinGen allele CA383282630.

ClinVar aggregate classification (germline): Pathogenic (1 of 4 stars; one submission).

Submission:

Labcorp Genetics (formerly Invitae), Labcorp
Classification: Pathogenic. Last evaluated: 2023-04-21. Review status: criteria provided, single submitter. Criteria: Invitae Variant Classification Sherloc (09022015). Collection method: clinical testing. Allele origin: germline.
Comment: For these reasons, this variant has been classified as Pathogenic. This variant has not been reported in the literature in individuals affected with NECTIN1-related conditions. This variant is not present in population databases (gnomAD no frequency). This sequence change creates a premature translational stop signal (p.Glu95*) in the NECTIN1 gene. It is expected to result in an absent or disrupted protein product. Loss-of-function variants in NECTIN1 are known to be pathogenic (PMID: 10932188, 25913853).

Literature cited by the submitters: PubMed 10932188; PubMed 25913853.